The following is an entry in ClinVar:

ClinVar aggregate classification (germline): Likely pathogenic (1 of 4 stars; one submission).

Conditions:
Neurodevelopmental disorder with gait disturbance, dysmorphic facies, and behavioral abnormalities, X-linked (HIJRS). Also called: HIJAZI-REIS SYNDROME. Identifiers: MedGen C5774179, MONDO:0859085, OMIM 301094.

Submission:

3billion
Classification: Likely pathogenic for Neurodevelopmental disorder with gait disturbance, dysmorphic facies, and behavioral abnormalities, X-linked. Last evaluated: 2024-06-17. Review status: criteria provided, single submitter. Criteria: ACMG Guidelines, 2015. Collection method: clinical testing. Allele origin: germline. Affected: yes.
Comment: The variant is not observed in the gnomAD v4.0.0 dataset. Predicted Consequence/Location: Stop-gained (nonsense): predicted to result in a loss or disruption of normal protein function through protein truncation. Multiple pathogenic variants are reported in the predicted truncated region. Therefore, this variant is classified as Likely pathogenic according to the recommendation of ACMG/AMP guideline.

NM_004780.3(TCEAL1):c.211G>T (p.Glu71Ter)

Gene: TCEAL1 (transcription elongation factor A like 1; plus strand). Cytogenetic location: Xq22.2.
Variant type: single nucleotide variant.
Coding change: c.211G>T on transcript NM_004780.3 (MANE Select); coding-DNA position 211, G replaced by T.
Protein change: p.Glu71Ter; replaces glutamic acid 71 with a stop codon.
Molecular consequence: nonsense.
Genome position (GRCh38, 1-based): chrX:103,630,127, G>T. VCF-style: chrX-103630127-G-T. GRCh37 (hg19) VCF-style: chrX-102885055-G-T.
Other names: c.211G>T, p.Glu71Ter (NM_001006639.2, NM_001006640.2); short protein forms E71*.
Identifiers: ClinVar variation 4293896 (VCV004293896.1).